The following is an entry in ClinVar:

ClinVar aggregate classification (germline): Likely benign. Review status: criteria provided, multiple submitters, no conflicts (2 of 4 stars). 4 submissions from 4 submitters: Likely benign (4). Last evaluated 2026-04-02.

Conditions:
Cardiovascular phenotype. Identifiers: MedGen CN230736.
Arrhythmogenic cardiomyopathy with wooly hair and keratoderma. Also called: Dilated cardiomyopathy with woolly hair and keratoderma; Arrhythmogenic cardiomyopathy with woolly hair and keratoderma; PALMOPLANTAR KERATODERMA WITH LEFT VENTRICULAR CARDIOMYOPATHY AND WOOLLY HAIR; Carvajal syndrome. Identifiers: Orphanet 65282, MedGen C1854063, MONDO:0011581, OMIM 605676.
Arrhythmogenic right ventricular dysplasia 8 (ARVD8). Also called: Arrhythmogenic Right Ventricular Dysplasia/Cardiomyopathy 8; ARRHYTHMOGENIC RIGHT VENTRICULAR DYSPLASIA, FAMILIAL, 8; ARRHYTHMOGENIC RIGHT VENTRICULAR CARDIOMYOPATHY 8. Identifiers: MedGen C1843896, MONDO:0011831, OMIM 607450.
Cardiomyopathy (CMYO). Also called: Cardiomyopathies. Identifiers: Orphanet 167848, MedGen C0878544, MONDO:0004994, HP:0001638. Inheritance: Various modes of inheritance.

Allele frequency attached by ClinVar (database versions not stated): gnomAD exomes below 0.00001; ExAC 0.00001.
gnomAD v4.1: 2 of 1,614,006 alleles (0.00012%); highest among the groups gnomAD compares: Admixed American, 0.0017%; no homozygotes.

Submissions (4):

Ambry Genetics
Classification: Likely benign for Cardiovascular phenotype. Last evaluated: 2026-04-02. Review status: criteria provided, single submitter. Criteria: Ambry Variant Classification Scheme 2023. Collection method: clinical testing. Allele origin: germline.

All of Us Research Program, National Institutes of Health
Classification: Likely benign for Arrhythmogenic cardiomyopathy with wooly hair and keratoderma. Last evaluated: 2023-06-08. Review status: criteria provided, single submitter. Criteria: ACMG Guidelines, 2015. Collection method: clinical testing. Allele origin: germline. Inheritance: Autosomal dominant inheritance. Observed: 1 variant allele, 1 heterozygote.
Comment: This study involves interpretation of variants in research participants for the purpose of population health screening. Participant phenotype was not available at the time of variant classification. Additional details can be found in publication PMID: 35346344, PMCID: PMC8962531

Labcorp Genetics (formerly Invitae), Labcorp
Classification: Likely benign for Arrhythmogenic cardiomyopathy with wooly hair and keratoderma; Arrhythmogenic right ventricular dysplasia 8. Last evaluated: 2022-08-23. Review status: criteria provided, single submitter. Criteria: Invitae Variant Classification Sherloc (09022015). Collection method: clinical testing. Allele origin: germline.

Color Diagnostics, LLC DBA Color Health
Classification: Likely benign for Cardiomyopathy. Last evaluated: 2021-01-05. Review status: criteria provided, single submitter. Criteria: ACMG Guidelines, 2015. Collection method: clinical testing. Allele origin: germline.

NM_004415.4(DSP):c.4428C>T (p.Ile1476=)

Gene: DSP (desmoplakin; plus strand). Cytogenetic location: 6p24.3.
Variant type: single nucleotide variant.
Coding change: c.4428C>T on transcript NM_004415.4 (MANE Select); coding-DNA position 4428, C replaced by T.
Protein change: p.Ile1476=; no amino-acid change (isoleucine 1476 retained).
Molecular consequence: synonymous variant. On other transcripts: intron variant (2).
Genome position (GRCh38, 1-based): chr6:7,580,618, C>T. VCF-style: chr6-7580618-C-T. GRCh37 (hg19) VCF-style: chr6-7580851-C-T.
Other names: c.4050+378C>T (NM_001319034.2); c.3582+846C>T (NM_001008844.3).
Identifiers: ClinVar variation 1123873 (VCV001123873.13), dbSNP rs754071010, ClinGen allele CA041491.